The following is an entry in ClinVar:

NM_003970.4(MYOM2):c.3655+7G>A

Gene: MYOM2 (myomesin 2; plus strand). Cytogenetic location: 8p23.3.
Variant type: single nucleotide variant.
Coding change: c.3655+7G>A on transcript NM_003970.4 (MANE Select); 7 bases into the intron after coding-DNA position 3655, G replaced by A.
Molecular consequence: intron variant.
Genome position (GRCh38, 1-based): chr8:2,123,649, G>A. VCF-style: chr8-2123649-G-A. GRCh37 (hg19) VCF-style: chr8-2071522-G-A.
Identifiers: ClinVar variation 3041992 (VCV003041992.2), dbSNP rs187275451, ClinGen allele CA170462703.

ClinVar aggregate classification (germline): Benign (0 of 4 stars; one submission).

Conditions:
MYOM2-related disorder. Also called: MYOM2-related condition.

Allele frequency attached by ClinVar (database versions not stated): ExAC 0.00107; 1000 Genomes Project 0.00220; 1000 Genomes Project 30x 0.00234; ESP Exome Variant Server 0.00284.
gnomAD v4.1: 927 of 1,612,342 alleles (0.057%); highest among the groups gnomAD compares: African/African-American, 1.1%; 9 homozygotes.

Submission:

PreventionGenetics, part of Exact Sciences
Classification: Benign for MYOM2-related condition. Last evaluated: 2019-05-22. Review status: no assertion criteria provided. Collection method: clinical testing. Allele origin: germline.
Comment: This variant is classified as benign based on ACMG/AMP sequence variant interpretation guidelines (Richards et al. 2015 PMID: 25741868, with internal and published modifications).